The following is an entry in ClinVar:

NM_000143.4(FH):c.574C>G (p.Pro192Ala)

Gene: FH (fumarate hydratase; minus strand). Cytogenetic location: 1q43.
Variant type: single nucleotide variant.
Coding change: c.574C>G on transcript NM_000143.4 (MANE Select); coding-DNA position 574, C replaced by G.
Protein change: p.Pro192Ala; replaces proline 192 with alanine.
Molecular consequence: missense variant.
Genome position (GRCh38, 1-based): chr1:241,508,767, G>C on the plus strand (C>G on the coding strand, the complement: FH is on the minus strand). VCF-style: chr1-241508767-G-C. GRCh37 (hg19) VCF-style: chr1-241672067-G-C.
Other names: short protein forms P192A.
Identifiers: ClinVar variation 1504201 (VCV001504201.8), dbSNP rs1573883345, ClinGen allele CA345439471.
Genomic context (GRCh38, chr1:241,508,767, plus strand): 5'-GTAGTCCTGGTAACAGTACTTCATGAACTTCTATTGCAGCAGCAATGTGCATTGCTGTGG[G>C]AAAAGTATCATTTGAGCTCTGTTGGAAATTTTTCAAAAGAAATATAAAATGTTAAATCAG-3'
Protein context (NP_000134.2, residues 182-202): NKSQSSNDTF[Pro192Ala]TAMHIAAAIE

ClinVar aggregate classification (germline): Likely pathogenic (1 of 4 stars; one submission).

Submission:

Labcorp Genetics (formerly Invitae), Labcorp
Classification: Likely pathogenic. Last evaluated: 2023-09-06. Review status: criteria provided, single submitter. Criteria: Invitae Variant Classification Sherloc (09022015). Collection method: clinical testing. Allele origin: germline.
Comment: In summary, the currently available evidence indicates that the variant is pathogenic, but additional data are needed to prove that conclusively. Therefore, this variant has been classified as Likely Pathogenic. This variant disrupts the p.Pro192 amino acid residue in FH. Other variant(s) that disrupt this residue have been determined to be pathogenic (PMID: 15761418, 31831373; Invitae). This suggests that this residue is clinically significant, and that variants that disrupt this residue are likely to be disease-causing. Algorithms developed to predict the effect of sequence changes on RNA splicing suggest that this variant may disrupt the consensus splice site. Advanced modeling of protein sequence and biophysical properties (such as structural, functional, and spatial information, amino acid conservation, physicochemical variation, residue mobility, and thermodynamic stability) performed at Invitae indicates that this missense variant is expected to disrupt FH protein function. ClinVar contains an entry for this variant (Variation ID: 1504201). This variant has not been reported in the literature in individuals affected with FH-related conditions. This variant is not present in population databases (gnomAD no frequency). This sequence change replaces proline, which is neutral and non-polar, with alanine, which is neutral and non-polar, at codon 192 of the FH protein (p.Pro192Ala).

Literature cited by the submitters: PubMed 15761418; PubMed 31831373.